The following is an entry in ClinVar:

NM_000552.5(VWF):c.4883T>C (p.Ile1628Thr)

Gene: VWF (von Willebrand factor; minus strand). Cytogenetic location: 12p13.31.
Variant type: single nucleotide variant.
Coding change: c.4883T>C on transcript NM_000552.5 (MANE Select); coding-DNA position 4883, T replaced by C.
Protein change: p.Ile1628Thr; replaces isoleucine 1628 with threonine.
Molecular consequence: missense variant.
Genome position (GRCh38, 1-based): chr12:6,018,535, A>G on the plus strand (T>C on the coding strand, the complement: VWF is on the minus strand). VCF-style: chr12-6018535-A-G. GRCh37 (hg19) VCF-style: chr12-6127701-A-G.
Other names: NM_000552.5(VWF):c.4883T>C; short protein forms I1628T.
Identifiers: ClinVar variation 284 (VCV000000284.23), dbSNP rs61750584, ClinGen allele CA114115.
Genomic context (GRCh38, chr12:6,018,535, plus strand): 5'-GGGGCATTGGGCCAGCCAATCCTCTCCAGCTCCTGCACGTTGGCATTAGGGCCCACTCCA[A>G]TGGGCACCACCTGGATGTCTCCAGGCAGCCTCTTGATCTCATCAGAGGCAGGATTTCCGG-3'
Protein context (NP_000543.3, residues 1618-1638): RLPGDIQVVP[Ile1628Thr]GVGPNANVQE

ClinVar aggregate classification (germline): Pathogenic. Review status: reviewed by expert panel (3 of 4 stars). 16 submissions from 16 submitters: Pathogenic (1). 15 of the submissions do not count toward it. Last evaluated 2024-08-13.

Conditions:
von Willebrand disorder (VWD). Also called: von Willebrand's disease; von Willebrand Diseases; Von Willebrand disease (hereditary or acquired). Identifiers: MedGen C0042974, MeSH D014842, MONDO:0024574.
VWF-related disorder. Also called: VWF-related condition; VWF-related disorders.
Hereditary von Willebrand disease. Identifiers: Orphanet 903, MedGen C5703318, MONDO:0019565. Inheritance: Autosomal recessive or Autosomal dominant.
von Willebrand disease type 2 (VWD2). Also called: VON WILLEBRAND DISEASE, TYPE 2A/IIE; VON WILLEBRAND DISEASE, TYPE 2CB; VON WILLEBRAND DISEASE, TYPE II; VWD, TYPE 2. Identifiers: Orphanet 166081, Orphanet 903, MedGen C1264040, MONDO:0013304, OMIM 613554.
Von Willebrand disease type 2A. Identifiers: Orphanet 166084, MedGen C1282968, MONDO:0015628. Inheritance: Autosomal recessive or autosomal dominant.
von Willebrand disease type 1 (VWD1). Also called: VON WILLEBRAND DISEASE, TYPE I; VWD, TYPE 1. Identifiers: Orphanet 166078, Orphanet 903, MedGen C1264039, MONDO:0008668, OMIM 193400. Inheritance: autosomal recessive or autosomal dominant.

Allele frequency attached by ClinVar (database versions not stated): gnomAD exomes below 0.00001.
gnomAD v4.1: 3 of 1,613,848 alleles (0.00019%); highest among the groups gnomAD compares: Non-Finnish European, 0.00017%; no homozygotes.

Submissions 1 to 7 of 16:

ClinGen von Willebrand Disease Variant Curation Expert Panel, ClinGen
Classification: Pathogenic for Von Willebrand disease type 2A. Last evaluated: 2024-08-13. Review status: reviewed by expert panel. Criteria: ClinGen VWD 2A B M Rules. Collection method: curation. Allele origin: germline. Inheritance: Autosomal dominant inheritance.
Comment: NM_000552.5(VWF):c.4883T>C is a missense variant in VWF predicted to cause substitution of isoleucine by threonine at amino acid 1628. The Grpmax filtering allele frequency in gnomAD v4.1 is 2.800e-7 (based on 2/1179884 alleles in the European non-Finnish population), which is lower than the ClinGen VWD VCEP threshold of <0.0001 for (PM2_Supporting). The computational predictor REVEL gives a score of 0.703, which is above the ClinGen VWD VCEP threshold of >0.644 and predicts a damaging effect on VWF function (PP3). At least sixteen patients with this variant have been diagnosed with VWD Type 2A, of whom nine are documented to have displayed excessive mucocutaneous bleeding as well as laboratory phenotypes of very low VWF activity (measured by VWF:RCo) low VWF:RCo/ VWF:Ag ratio, and absence of high-molecular weight VWF multimers, which together are highly specific for VWD type 2A (PP4_Moderate, PMID: 28536718, VCEP member-provided data). Thirteen total probands have been described in sufficient detail to establish a phenotype specific to VWD type 2A (PS4_VeryStrong, PMID: 28536718, VCEP member-provided data, PMID: 28971901). The variant has been reported to segregate with VWD type 2A through 6 affected meioses from 1 family and 3 affected meioses in another (PP1_Moderate; PMID: 1673047, PMID: 28971901). Proteolysis assays of an exogenously expressed VWF fragment showed higher susceptibility of the variant protein to ADAMTS13 proteolysis under non-denaturing conditions (PMID: 16221672, PMID: 16322474, PMID: 23110044), indicating that this variant has a damaging effect on protein function (PS3_Supporting). The variant protein exhibited normal multimer distribution (PMID: 16322474) and secretion rate (PMID: 8123844) in vitro. In summary, this variant meets the criteria to be classified as Pathogenic for von Willebrand disease type 2A. ACMG/AMP criteria applied as specified by the ClinGen von Willebrand disease Variant Curation Expert Panel: PS3_supporting, PS4, PP1_Moderate, PM2_Supporting, PP3, PP4_Moderate.

PreventionGenetics, part of Exact Sciences
Classification: Pathogenic for VWF-related condition. Last evaluated: 2026-08-21. Review status: criteria provided, single submitter. Criteria: ACMG Guidelines, 2015. Collection method: clinical testing. Allele origin: germline. Not counted in ClinVar's aggregate classification.
Comment: The VWF c.4883T>C variant is predicted to result in the amino acid substitution p.Ile1628Thr. This variant has been reported in the heterozygous state in multiple individuals with von Willebrand Disease (VWD) type 2A (Iannuzzi et al. 1991. PubMed ID: 1673047; Ahmad et al. 2014. PubMed ID: 24712919; Veyradier et al. 2016. PubMed ID: 26986123). A similar variant, c.4883T>A, p.Ile1628Asn, has also been reported to be causative for von Willebrand Disease (VWD) type 2A (Veyradier et al. 2016. PubMed ID: 26986123). The p.Ile1628Thr substitution may affect VWF protein stabilization and biochemical studies indicate it may increase proteolysis of VWF (Interlandi et al. 2012. PubMed ID: 23110044; Hassenpflug et al. 2006. PubMed ID: 16322474). This variant has not been reported in a large population database, indicating this variant is rare. This variant is interpreted as pathogenic.

Genomic Medicine Center of Excellence, King Faisal Specialist Hospital and Research Centre
Classification: Uncertain significance for von Willebrand disease type 1. Last evaluated: 2025-09-10. Review status: criteria provided, single submitter. Criteria: ACMG Guidelines, 2015. Collection method: clinical testing. Allele origin: germline. Not counted in ClinVar's aggregate classification.

Quest Diagnostics Nichols Institute San Juan Capistrano
Classification: Pathogenic. Last evaluated: 2025-01-23. Review status: criteria provided, single submitter. Criteria: Quest Diagnostics criteria. Collection method: clinical testing. Allele origin: unknown. Not counted in ClinVar's aggregate classification.
Comment: In the published literature, this variant has been reported in multiple individuals affected with von Willebrand Disease (vWD) Type 2A (PMID: 1673047 (1991), 17681836 (2007), 22102201 (2011), 24712919 (2014), 31064749 (2019)). This variant segregates with disease in at least one family (PMID: 1673047 (1991)). Assessment of experimental evidence suggests this variant results in abnormal protein function. (PMID: 16322474 (2006), 23110044 (2012), 27443694 (2016)). This variant has not been reported in large, multi-ethnic general populations (Genome Aggregation Database).

Women's Health and Genetics/Laboratory Corporation of America, LabCorp
Classification: Pathogenic for von Willebrand disorder. Last evaluated: 2024-12-11. Review status: criteria provided, single submitter. Criteria: LabCorp Variant Classification Summary - May 2015. Collection method: clinical testing. Allele origin: germline. Not counted in ClinVar's aggregate classification.
Comment: Variant summary: VWF c.4883T>C (p.Ile1628Thr) results in a non-conservative amino acid change in the encoded protein sequence. Four of five in-silico tools predict a damaging effect of the variant on protein function. The variant was absent in 251316 control chromosomes (gnomAD). c.4883T>C has been reported in the literature in multiple heterozygous individuals affected with Von Willebrand Disease type 2A (e.g. Ahmad_2014, Fidalgo_2016). These data indicate that the variant is very likely to be associated with disease. The following publications have been ascertained in the context of this evaluation (PMID: 24712919, 26988807). ClinVar contains an entry for this variant (Variation ID: 284). Based on the evidence outlined above, the variant was classified as pathogenic.

ARUP Laboratories, Molecular Genetics and Genomics, ARUP Laboratories
Classification: Pathogenic. Last evaluated: 2024-12-02. Review status: criteria provided, single submitter. Criteria: ARUP Molecular Germline Variant Investigation Process 2024. Collection method: clinical testing. Allele origin: germline. Not counted in ClinVar's aggregate classification.
Comment: The VWF c.4883T>C; p.Ile1628Thr variant (rs61750584), also known as Ile865Thr when numbered from the mature protein, is reported in the literature in multiple individuals with Type 2A VWD and shown to co-segregate with disease (Ahmad 2014, Downes 2019, Iannuzzi 1991, Sadler 2021). This variant is also classified as pathogenic by multiple sources in the ClinVar database (Variation ID: 284). It is absent from the Genome Aggregation Database, indicating it is not a common polymorphism. The isoleucine at codon 1628 is highly conserved, and computational analyses predict that this variant is deleterious (REVEL: 0.703). Based on available information, this variant is considered to be pathogenic. References: Ahmad F et al. Germline de novo mutations and linkage markers vs. DNA sequencing for carrier detection in von Willebrand disease. Haemophilia. 2014 Jul;20(4):e311-7. PMID: 24712919. Downes K et al. Diagnostic high-throughput sequencing of 2396 patients with bleeding, thrombotic, and platelet disorders. Blood. 2019 Dec 5;134(23):2082-2091. PMID: 31064749. Iannuzzi MC et al. Analysis of the relationship of von Willebrand disease (vWD) and hereditary hemorrhagic telangiectasia and identification of a potential type IIA vWD mutation (IIe865 to Thr). Am J Hum Genet. 1991 Apr;48(4):757-63. PMID: 1673047. Sadler B et al. von Willebrand factor antigen levels are associated with burden of rare nonsynonymous variants in the VWF gene. Blood. 2021 Jun 10;137(23):3277-3283. PMID: 33556167.

Mayo Clinic Laboratories, Mayo Clinic
Classification: Pathogenic. Last evaluated: 2024-02-09. Review status: criteria provided, single submitter. Criteria: ACMG Guidelines, 2015. Collection method: clinical testing. Allele origin: germline. Observed: 2 variant alleles. Not counted in ClinVar's aggregate classification.
Comment: PP1_strong, PP4, PP5, PM1_supporting, PM2_moderate, PS3_moderate, PS4_moderate